The following is an entry in ClinVar:

NM_002582.4(PARN):c.783+5T>C

Gene: PARN (poly(A)-specific ribonuclease; minus strand). Cytogenetic location: 16p13.12.
Variant type: single nucleotide variant.
Coding change: c.783+5T>C on transcript NM_002582.4 (MANE Select); 5 bases into the intron after coding-DNA position 783, T replaced by C.
Molecular consequence: intron variant.
Genome position (GRCh38, 1-based): chr16:14,604,141, A>G on the plus strand (T>C on the coding strand, the complement: PARN is on the minus strand). VCF-style: chr16-14604141-A-G. GRCh37 (hg19) VCF-style: chr16-14697998-A-G.
Other names: c.600+5T>C (NM_001134477.3); c.645+5T>C (NM_001242992.2).
Identifiers: ClinVar variation 1522777 (VCV001522777.6), dbSNP rs2151787329, ClinGen allele CA2573151917.
Genomic context (GRCh38, chr16:14,604,141, plus strand): 5'-ACAGGAATAAATCAATATTTATGTTGCCATTTCTCACCCCCCAAGAATTAACATAGCCCA[A>G]TTACCTGTTCTTTGGCATGTTTCTGCTGCTCTCTTCTTTTGCGTTCTTCTTCATCTACTT-3'

ClinVar aggregate classification (germline): Uncertain significance (1 of 4 stars; one submission).

Conditions:
Dyskeratosis congenita, autosomal recessive 6 (DKCB6). Identifiers: MedGen C4225356, MONDO:0014600, OMIM 616353.
Pulmonary fibrosis and/or bone marrow failure, Telomere-related, 4. Also called: PULMONARY FIBROSIS AND/OR BONE MARROW FAILURE SYNDROME, TELOMERE-RELATED, 4. Identifiers: Orphanet 2032, MedGen C4225347, MONDO:0014612, OMIM 616371.

gnomAD v4.1: 1 of 1,576,652 alleles (0.000063%); highest among the groups gnomAD compares: East Asian, 0.0022%; no homozygotes.

Submission:

Labcorp Genetics (formerly Invitae), Labcorp
Classification: Uncertain significance for Dyskeratosis congenita, autosomal recessive 6; Pulmonary fibrosis and/or bone marrow failure, Telomere-related, 4. Last evaluated: 2021-07-30. Review status: criteria provided, single submitter. Criteria: Invitae Variant Classification Sherloc (09022015). Collection method: clinical testing. Allele origin: germline.
Comment: In summary, the available evidence is currently insufficient to determine the role of this variant in disease. Therefore, it has been classified as a Variant of Uncertain Significance. Nucleotide substitutions within the consensus splice site are a relatively common cause of aberrant splicing (PMID: 17576681, 9536098). Algorithms developed to predict the effect of sequence changes on RNA splicing suggest that this variant is not likely to affect RNA splicing. This variant has not been reported in the literature in individuals affected with PARN-related conditions. This variant is not present in population databases (ExAC no frequency). This sequence change falls in intron 11 of the PARN gene. It does not directly change the encoded amino acid sequence of the PARN protein. It affects a nucleotide within the consensus splice site of the intron.

Literature cited by the submitters: PubMed 17576681; PubMed 9536098.